The following is an entry in ClinVar:

ClinVar aggregate classification (germline): Conflicting classifications of pathogenicity. Review status: criteria provided, conflicting classifications (1 of 4 stars). 3 submissions from 3 submitters: Uncertain significance (2); Likely benign (1). Last evaluated 2024-04-16.

Conditions:
Cardiovascular phenotype. Identifiers: MedGen CN230736.
Dilated cardiomyopathy 1DD (CMD1DD). Identifiers: Orphanet 154, MedGen C2750995, MONDO:0013168, OMIM 613172.

Allele frequency attached by ClinVar (database versions not stated): gnomAD exomes 0.00002 and 0.00004.
gnomAD v4.1: 53 of 1,550,988 alleles (0.0034%); highest among the groups gnomAD compares: Non-Finnish European, 0.0046%; no homozygotes.

Submissions (3):

GeneDx
Classification: Uncertain significance. Last evaluated: 2024-04-16. Review status: criteria provided, single submitter. Criteria: GeneDx Variant Classification Process June 2021. Collection method: clinical testing. Allele origin: germline. Affected: yes.
Comment: Has been reported in an individual with DCM (PMID: 29892087); In silico analysis indicates that this missense variant does not alter protein structure/function; This variant is associated with the following publications: (PMID: 30871351, 29892087)

Labcorp Genetics (formerly Invitae), Labcorp
Classification: Likely benign for Dilated cardiomyopathy 1DD. Last evaluated: 2024-02-02. Review status: criteria provided, single submitter. Criteria: Invitae Variant Classification Sherloc (09022015). Collection method: clinical testing. Allele origin: germline.

Ambry Genetics
Classification: Uncertain significance for Cardiovascular phenotype. Last evaluated: 2023-08-16. Review status: criteria provided, single submitter. Criteria: Ambry Variant Classification Scheme 2023. Collection method: clinical testing. Allele origin: germline.
Comment: The p.V1155A variant (also known as c.3464T>C), located in coding exon 13 of the RBM20 gene, results from a T to C substitution at nucleotide position 3464. The valine at codon 1155 is replaced by alanine, an amino acid with similar properties. This variant has been detected in an individual reported to have dilated cardiomyopathy (Horvat C et al. Genet Med, 2019 Jan;21:133-143). This amino acid position is well conserved in available vertebrate species. In addition, the in silico prediction for this alteration is inconclusive. Since supporting evidence is limited at this time, the clinical significance of this alteration remains unclear.

Literature cited by the submitters: PubMed 29892087 (cited by Ambry Genetics); PubMed 30871351 (cited by Ambry Genetics).

NM_001134363.3(RBM20):c.3464T>C (p.Val1155Ala)

Gene: RBM20 (RNA binding motif protein 20; plus strand). Cytogenetic location: 10q25.2.
Variant type: single nucleotide variant.
Coding change: c.3464T>C on transcript NM_001134363.3 (MANE Select); coding-DNA position 3464, T replaced by C.
Protein change: p.Val1155Ala; replaces valine 1155 with alanine.
Molecular consequence: missense variant.
Genome position (GRCh38, 1-based): chr10:110,831,073, T>C. VCF-style: chr10-110831073-T-C. GRCh37 (hg19) VCF-style: chr10-112590831-T-C.
Other names: p.V1155A:GTG>GCG; c.3464T>C (LRG_382t1); short protein forms V1155A.
Identifiers: ClinVar variation 202075 (VCV000202075.10), dbSNP rs794729158, ClinGen allele CA335575.